The following is an entry in ClinVar:

ClinVar aggregate classification (germline): Uncertain significance (1 of 4 stars; one submission).

Submission:

GeneDx
Classification: Uncertain significance. Last evaluated: 2026-02-24. Review status: criteria provided, single submitter. Criteria: GeneDx Variant Classification Process June 2021. Collection method: clinical testing. Allele origin: germline.
Comment: Not observed at significant frequency in large population cohorts (gnomAD); In silico analysis suggests that this missense variant does not alter protein structure/function; Has not been previously published as pathogenic or benign to our knowledge

NM_152424.4(AMER1):c.1886A>C (p.Gln629Pro)

Gene: AMER1 (APC membrane recruitment protein 1; minus strand). Cytogenetic location: Xq11.2.
Variant type: single nucleotide variant.
Coding change: c.1886A>C on transcript NM_152424.4 (MANE Select); coding-DNA position 1886, A replaced by C.
Protein change: p.Gln629Pro; replaces glutamine 629 with proline.
Molecular consequence: missense variant.
Genome position (GRCh38, 1-based): chrX:64,191,401, T>G on the plus strand (A>C on the coding strand, the complement: AMER1 is on the minus strand). VCF-style: chrX-64191401-T-G. GRCh37 (hg19) VCF-style: chrX-63411281-T-G.
Other names: short protein forms Q629P.
Identifiers: ClinVar variation 5009994 (VCV005009994.1).